The following is an entry in ClinVar:

NM_152383.5(DIS3L2):c.635A>T (p.Asp212Val)

Gene: DIS3L2 (DIS3 like 3'-5' exoribonuclease 2; plus strand). Cytogenetic location: 2q37.1.
Variant type: single nucleotide variant.
Coding change: c.635A>T on transcript NM_152383.5 (MANE Select); coding-DNA position 635, A replaced by T.
Protein change: p.Asp212Val; replaces aspartic acid 212 with valine.
Molecular consequence: missense variant. On other transcripts: non-coding transcript variant (2).
Genome position (GRCh38, 1-based): chr2:232,130,652, A>T. VCF-style: chr2-232130652-A-T. GRCh37 (hg19) VCF-style: chr2-232995362-A-T.
Other names: c.635A>T, p.Asp212Val (NM_001257281.2, NM_001257282.2); short protein forms D212V.
Identifiers: ClinVar variation 2151715 (VCV002151715.5), dbSNP rs1234285631, ClinGen allele CA351153153.

ClinVar aggregate classification (germline): Uncertain significance. Review status: criteria provided, multiple submitters, no conflicts (2 of 4 stars). 2 submissions from 2 submitters: Uncertain significance (2). Last evaluated 2025-09-10.

Conditions:
Inborn genetic diseases. Identifiers: MedGen C0950123, MeSH D030342.
Perlman syndrome (PRLMNS). Identifiers: Orphanet 2849, MedGen C0796113, MONDO:0009965, OMIM 267000.

gnomAD v4.1: 3 of 1,613,312 alleles (0.00019%); highest among the groups gnomAD compares: African/African-American, 0.004%; no homozygotes.

Submissions (2):

Ambry Genetics
Classification: Uncertain significance for Inborn genetic diseases. Last evaluated: 2025-09-10. Review status: criteria provided, single submitter. Criteria: Ambry Variant Classification Scheme 2023. Collection method: clinical testing. Allele origin: germline.

Labcorp Genetics (formerly Invitae), Labcorp
Classification: Uncertain significance for Perlman syndrome. Last evaluated: 2022-12-15. Review status: criteria provided, single submitter. Criteria: Invitae Variant Classification Sherloc (09022015). Collection method: clinical testing. Allele origin: germline.
Comment: In summary, the available evidence is currently insufficient to determine the role of this variant in disease. Therefore, it has been classified as a Variant of Uncertain Significance. Algorithms developed to predict the effect of missense changes on protein structure and function (SIFT, PolyPhen-2, Align-GVGD) all suggest that this variant is likely to be tolerated. This variant has not been reported in the literature in individuals affected with DIS3L2-related conditions. This variant is not present in population databases (gnomAD no frequency). This sequence change replaces aspartic acid, which is acidic and polar, with valine, which is neutral and non-polar, at codon 212 of the DIS3L2 protein (p.Asp212Val).